The following is an entry in ClinVar:

NM_001142800.2(EYS):c.2222C>T (p.Ala741Val)

Gene: EYS (EGF-like photoreceptor maintenance factor; minus strand). Cytogenetic location: 6q12.
Variant type: single nucleotide variant.
Coding change: c.2222C>T on transcript NM_001142800.2 (MANE Select); coding-DNA position 2222, C replaced by T.
Protein change: p.Ala741Val; replaces alanine 741 with valine.
Molecular consequence: missense variant.
Genome position (GRCh38, 1-based): chr6:64,997,619, G>A on the plus strand (C>T on the coding strand, the complement: EYS is on the minus strand). VCF-style: chr6-64997619-G-A. GRCh37 (hg19) VCF-style: chr6-65707512-G-A.
Other names: c.2222C>T, p.Ala741Val (NM_001292009.2); short protein forms A741V.
Identifiers: ClinVar variation 912004 (VCV000912004.7), dbSNP rs1009558644, ClinGen allele CA140390408.

ClinVar aggregate classification (germline): Uncertain significance. Review status: criteria provided, multiple submitters, no conflicts (2 of 4 stars). 3 submissions from 3 submitters: Uncertain significance (2). 1 of the submissions does not count toward it. Last evaluated 2022-03-10.

Conditions:
Retinitis pigmentosa (RP). Identifiers: Orphanet 791, MedGen C0035334, MeSH D012174, MONDO:0019200, OMIM 268000. Inheritance: Autosomal dominant, autosomal recessive and X linked inheritance.
Retinitis pigmentosa 25 (RP25). Identifiers: Orphanet 791, MedGen C1864446, MONDO:0011272, OMIM 602772.

Allele frequency attached by ClinVar (database versions not stated): gnomAD exomes below 0.00001; TOPMed 0.00002; gnomAD 0.00003 and 0.00004.
gnomAD v4.1: 6 of 1,551,058 alleles (0.00039%); highest among the groups gnomAD compares: African/African-American, 0.0082%; no homozygotes.

Submissions (3):

Labcorp Genetics (formerly Invitae), Labcorp
Classification: Uncertain significance. Last evaluated: 2022-03-10. Review status: criteria provided, single submitter. Criteria: Invitae Variant Classification Sherloc (09022015). Collection method: clinical testing. Allele origin: germline.
Comment: This sequence change replaces alanine, which is neutral and non-polar, with valine, which is neutral and non-polar, at codon 741 of the EYS protein (p.Ala741Val). This variant is present in population databases (no rsID available, gnomAD 0.01%). This variant has not been reported in the literature in individuals affected with EYS-related conditions. ClinVar contains an entry for this variant (Variation ID: 912004). Algorithms developed to predict the effect of missense changes on protein structure and function output the following: SIFT: "Tolerated"; PolyPhen-2: "Benign"; Align-GVGD: "Class C0". The valine amino acid residue is found in multiple mammalian species, which suggests that this missense change does not adversely affect protein function. In summary, the available evidence is currently insufficient to determine the role of this variant in disease. Therefore, it has been classified as a Variant of Uncertain Significance.

Illumina Laboratory Services, Illumina
Classification: Uncertain significance for Retinitis pigmentosa. Last evaluated: 2018-01-13. Review status: criteria provided, single submitter. Criteria: ICSL Variant Classification Criteria 13 December 2019. Collection method: clinical testing. Allele origin: germline.

Natera, Inc.
Classification: Uncertain significance for Retinitis pigmentosa type 25. Last evaluated: 2020-02-21. Review status: no assertion criteria provided. Collection method: clinical testing. Allele origin: germline. Not counted in ClinVar's aggregate classification.